The following is an entry in ClinVar:

NM_001905.4(CTPS1):c.-14+16G>T

Gene: CTPS1 (CTP synthase 1; plus strand). Cytogenetic location: 1p34.2.
Variant type: single nucleotide variant.
Coding change: c.-14+16G>T on transcript NM_001905.4 (MANE Select); 16 bases into the intron after 14 bases upstream of the start codon, G replaced by T.
Molecular consequence: intron variant.
Genome position (GRCh38, 1-based): chr1:40,979,845, G>T. VCF-style: chr1-40979845-G-T. GRCh37 (hg19) VCF-style: chr1-41445517-G-T.
Identifiers: ClinVar variation 4085058 (VCV004085058.8).

ClinVar aggregate classification (germline): Benign (1 of 4 stars; one submission).

Submission:

CeGaT Center for Human Genetics Tuebingen
Classification: Benign. Last evaluated: 2025-06-01. Review status: criteria provided, single submitter. Criteria: CeGaT Center For Human Genetics Tuebingen Variant Classification Criteria Version 2. Collection method: clinical testing. Allele origin: germline. Affected: yes. Observed: 1 variant allele.
Comment: ENSG00000301041: BS1, BS2